The following is an entry in ClinVar:

ClinVar aggregate classification (germline): Uncertain significance (1 of 4 stars; one submission).

Conditions:
Cardiovascular phenotype. Identifiers: MedGen CN230736.

Submission:

Ambry Genetics
Classification: Uncertain significance for Cardiovascular phenotype. Last evaluated: 2023-09-30. Review status: criteria provided, single submitter. Criteria: Ambry Variant Classification Scheme 2023. Collection method: clinical testing. Allele origin: germline.
Comment: The p.L1616F variant (also known as c.4846C>T), located in coding exon 34 of the LAMA4 gene, results from a C to T substitution at nucleotide position 4846. The leucine at codon 1616 is replaced by phenylalanine, an amino acid with highly similar properties. This amino acid position is conserved. In addition, this alteration is predicted to be deleterious by in silico analysis. Since supporting evidence is limited at this time, the clinical significance of this alteration remains unclear.

NM_001105206.3(LAMA4):c.4867C>T (p.Leu1623Phe)

Gene: LAMA4 (laminin subunit alpha 4; minus strand). Cytogenetic location: 6q21.
Variant type: single nucleotide variant.
Coding change: c.4867C>T on transcript NM_001105206.3 (MANE Select); coding-DNA position 4867, C replaced by T.
Protein change: p.Leu1623Phe; replaces leucine 1623 with phenylalanine.
Molecular consequence: missense variant.
Genome position (GRCh38, 1-based): chr6:112,117,853, G>A on the plus strand (C>T on the coding strand, the complement: LAMA4 is on the minus strand). VCF-style: chr6-112117853-G-A. GRCh37 (hg19) VCF-style: chr6-112439056-G-A.
Other names: c.4846C>T, p.Leu1616Phe (NM_001105207.3, NM_002290.5); short protein forms L1616F, L1623F.
Identifiers: ClinVar variation 1743529 (VCV001743529.2), dbSNP rs2546971796, ClinGen allele CA365366694.